The following is an entry in ClinVar:

NM_001364857.2(ADGRB2):c.4516A>C (p.Arg1506=)

Gene: ADGRB2 (adhesion G protein-coupled receptor B2; minus strand). Cytogenetic location: 1p35.2.
Variant type: single nucleotide variant.
Coding change: c.4516A>C on transcript NM_001364857.2 (MANE Select); coding-DNA position 4516, A replaced by C.
Protein change: p.Arg1506=; no amino-acid change (arginine 1506 retained).
Molecular consequence: synonymous variant.
Genome position (GRCh38, 1-based): chr1:31,728,081, T>G on the plus strand (A>C on the coding strand, the complement: ADGRB2 is on the minus strand). VCF-style: chr1-31728081-T-G. GRCh37 (hg19) VCF-style: chr1-32193682-T-G.
Other names: c.4513A>C, p.Arg1505= (NM_001294335.2); c.4414A>C, p.Arg1472= (NM_001294336.2); c.4516A>C, p.Arg1506= (NM_001703.2).
Identifiers: ClinVar variation 2638605 (VCV002638605.24), dbSNP rs2523476603, ClinGen allele CA417022655.

ClinVar aggregate classification (germline): Likely benign (1 of 4 stars; one submission).

Submission:

CeGaT Center for Human Genetics Tuebingen
Classification: Likely benign. Last evaluated: 2022-10-01. Review status: criteria provided, single submitter. Criteria: CeGaT Center For Human Genetics Tuebingen Variant Classification Criteria Version 2. Collection method: clinical testing. Allele origin: germline. Affected: yes. Observed: 1 variant allele.
Comment: ADGRB2: PM2:Supporting, BP4, BP7